The following is an entry in ClinVar:

NM_004628.5(XPC):c.1182del (p.Ser394fs)

Gene: XPC (XPC complex subunit, DNA damage recognition and repair factor; minus strand). Cytogenetic location: 3p25.1.
Variant type: Deletion.
Coding change: c.1182del on transcript NM_004628.5 (MANE Select); coding-DNA position 1182, one base deleted (C; older notation c.1182delC).
Protein change: p.Ser394fs; shifts the reading frame from serine 394.
Molecular consequence: frameshift variant. On other transcripts: non-coding transcript variant (2).
Genome position (GRCh38, 1-based): chr3:14,158,701, G deleted on the plus strand (C on the coding strand, the reverse complement: XPC is on the minus strand). VCF-style (leftmost placement, unchanged base first): chr3-14158700-TG-T. GRCh37 (hg19) VCF-style: chr3-14200200-TG-T.
Other names: c.603del, p.Ser201fs (NM_001354726.2); c.1182del, p.Ser394fs (NM_001354727.2, NM_001354730.2); c.1164del, p.Ser388fs (NM_001354729.2); short protein forms S388fs, S201fs, S394fs.
Identifiers: ClinVar variation 1456131 (VCV001456131.6), dbSNP rs2125026245, ClinGen allele CA2573136061.
Genomic context (GRCh38, chr3:14,158,700, plus strand): 5'-GCTGGGTTGCCTTCTCCTGCTTGTCTCCTGGGCCCTCATCTTCCTCGCTGGAGGAGGGCT[TG>T]CTCCGTTTCTTTCTGCCTCCCTTGTTCCTCTTCCCTTTGGCACTTGGCCTGCAGGTGCCC-3'

ClinVar aggregate classification (germline): Pathogenic (1 of 4 stars; one submission).

Submission:

Labcorp Genetics (formerly Invitae), Labcorp
Classification: Pathogenic. Last evaluated: 2021-11-11. Review status: criteria provided, single submitter. Criteria: Invitae Variant Classification Sherloc (09022015). Collection method: clinical testing. Allele origin: germline.
Comment: For these reasons, this variant has been classified as Pathogenic. This variant has not been reported in the literature in individuals affected with XPC-related conditions. This variant is not present in population databases (gnomAD no frequency). This sequence change creates a premature translational stop signal (p.Ser394Argfs*132) in the XPC gene. It is expected to result in an absent or disrupted protein product. Loss-of-function variants in XPC are known to be pathogenic (PMID: 23173980, 25256075).

Literature cited by the submitters: PubMed 23173980; PubMed 25256075.